The following is an entry in ClinVar:

ClinVar aggregate classification (germline): Conflicting classifications of pathogenicity. Review status: criteria provided, conflicting classifications (1 of 4 stars). 2 submissions from 2 submitters: Uncertain significance (1); Benign (1). Last evaluated 2024-12-24.

Conditions:
Primary ciliary dyskinesia. Also called: Ciliary dyskinesia. Identifiers: Orphanet 244, MedGen C0008780, MONDO:0016575, HP:0012265.

Allele frequency attached by ClinVar (database versions not stated): gnomAD below 0.00001 and 0.00005; 1000 Genomes Project 0.00040; TOPMed 0.00001; gnomAD exomes 0.00008 and 0.00020; ExAC 0.00022; 1000 Genomes Project 30x 0.00031.
gnomAD v4.1: 127 of 1,613,930 alleles (0.0079%); highest among the groups gnomAD compares: South Asian, 0.13%; 1 homozygote.

Submissions (2):

Labcorp Genetics (formerly Invitae), Labcorp
Classification: Benign for Primary ciliary dyskinesia. Last evaluated: 2024-12-24. Review status: criteria provided, single submitter. Criteria: Invitae Variant Classification Sherloc (09022015). Collection method: clinical testing. Allele origin: germline.

Ambry Genetics
Classification: Uncertain significance for Primary ciliary dyskinesia. Last evaluated: 2015-10-06. Review status: criteria provided, single submitter. Criteria: Ambry Variant Classification Scheme 2023. Collection method: clinical testing. Allele origin: germline.
Comment: The p.Y2658C variant (also known as c.7973A>G), located in coding exon 49 of the DNAH11 gene, results from an A to G substitution at nucleotide position 7973. The tyrosine at codon 2658 is replaced by cysteine, an amino acid with highly dissimilar properties. This variant was previously reported in the SNPDatabase as rs377216163, but was absent from population-based cohorts in the NHLBI Exome Sequencing Project (ESP) and 1000 Genomes Project databases. In the ESP, this variant was not observed in 6052 samples (12104 alleles) with coverage at this position. This amino acid position is well conserved in mammals but not in all available vertebrate species. In addition, this alteration is predicted to be tolerated by SIFT in silico analysis. Since supporting evidence is limited at this time, the clinical significance of p.Y2658C remains unclear.

NM_001277115.2(DNAH11):c.7973A>G (p.Tyr2658Cys)

Gene: DNAH11 (dynein axonemal heavy chain 11; plus strand). Cytogenetic location: 7p15.3.
Variant type: single nucleotide variant.
Coding change: c.7973A>G on transcript NM_001277115.2 (MANE Select); coding-DNA position 7973, A replaced by G.
Protein change: p.Tyr2658Cys; replaces tyrosine 2658 with cysteine.
Molecular consequence: missense variant.
Genome position (GRCh38, 1-based): chr7:21,741,985, A>G. VCF-style: chr7-21741985-A-G. GRCh37 (hg19) VCF-style: chr7-21781603-A-G.
Other names: short protein forms Y2658C.
Identifiers: ClinVar variation 961723 (VCV000961723.11), dbSNP rs377216163, ClinGen allele CA4181437.
Genomic context (GRCh38, chr7:21,741,985, plus strand): 5'-AGAGACATTTCACAGTGTTTGCATTCAATTTTCCATCTTTGGATGCACTAAACACCATCT[A>G]TGGCCAAATCTTTAGCTTCCATTTCCAACAGCAAGCATTTGCTCCATCAATTCTCAGGAG-3'
Protein context (NP_001264044.1, residues 2648-2668): FPSLDALNTI[Tyr2658Cys]GQIFSFHFQQ